The following is an entry in ClinVar:

ClinVar aggregate classification (germline): Pathogenic. Review status: criteria provided, multiple submitters, no conflicts (2 of 4 stars). 2 submissions from 2 submitters: Pathogenic (2). Last evaluated 2019-06-20.

Conditions:
Ataxia, early-onset, with oculomotor apraxia and hypoalbuminemia (EAOH). Also called: Ataxia-oculomotor apraxia type 1; ATAXIA-OCULOMOTOR APRAXIA SYNDROME; ATAXIA-TELANGIECTASIA-LIKE SYNDROME. Identifiers: Orphanet 1168, MedGen C1859598, MONDO:0008842, OMIM 208920.

Allele frequency attached by ClinVar (database versions not stated): gnomAD exomes below 0.00001.

Submissions (2):

Foundation for Research in Genetics and Endocrinology, FRIGE's Institute of Human Genetics
Classification: Pathogenic for Ataxia, early-onset, with oculomotor apraxia and hypoalbuminemia. Last evaluated: 2019-06-20. Review status: criteria provided, single submitter. Criteria: ACMG Guidelines, 2015. Collection method: clinical testing. Allele origin: inherited. Inheritance: Autosomal recessive inheritance. Affected: yes. Observed: 1 homozygote.
Comment: Homozugous variant in exon 7 of the APTX gene(chr9:g.32974554delA:depth 34x) that result in a frameshift and premature truncation of the protein 5 amino acid downstream codon 259 was detected. The p.Val259AspfsTer5 variant has not been reported in the 1000 Genomes and ExAC databases and has a minor allele frequency of 0.007% in our internal database. The in silico prediction of the variant is damaging by MutationTaster2. The reference region is conserved across mammals.

Neuberg Centre For Genomic Medicine, NCGM
Classification: Pathogenic for Ataxia, early-onset, with oculomotor apraxia and hypoalbuminemia. Review status: criteria provided, single submitter. Criteria: ACMG Guidelines, 2015. Collection method: clinical testing. Allele origin: germline. Affected: yes.
Comment: This variant causes a frameshift starting with codon Valine 259, changes this amino acid to Aspartic Acid residue, and creates a premature Stop codon at position 5 of the new reading frame, denoted p.Val259AspfsTer5. This variant has been reported as pathogenic to the ClinVar database. The p.Val259AspfsTer5 variant is novel (not in any individuals) in gnomAD Exomes and 1000 Genomes and has a minor allele frequency of 0.007%. The in silico prediction of the variant is damaging by MutationTaster2. The reference region is conserved across mammals. For these reasons, this variant has been classified as Pathogenic

NM_001195248.2(APTX):c.776del (p.Val259fs)

Gene: APTX (aprataxin; minus strand). Cytogenetic location: 9p21.1.
Variant type: Deletion.
Coding change: c.776del on transcript NM_001195248.2 (MANE Select); coding-DNA position 776, one base deleted (T; older notation c.776delT).
Protein change: p.Val259fs; shifts the reading frame from valine 259.
Molecular consequence: frameshift variant. On other transcripts: non-coding transcript variant (13).
Genome position (GRCh38, 1-based): chr9:32,974,556, A deleted on the plus strand (T on the coding strand, the reverse complement: APTX is on the minus strand). VCF-style (leftmost placement, unchanged base first): chr9-32974555-TA-T. GRCh37 (hg19) VCF-style: chr9-32974553-TA-T.
Other names: c.776del, p.Val259fs (NM_001195249.2, NM_001195251.2, NM_001368995.1 and 6 more transcripts); c.614del, p.Val205fs (NM_001195250.2, NM_001195254.2, NM_001369000.1 and 1 more transcripts); c.560del, p.Val187fs (NM_001195252.2); c.512del, p.Val171fs (NM_001369002.1, NM_001369003.1, NM_001369004.1 and 5 more transcripts); c.776delT (NM_175073.2); short protein forms V187fs, V171fs, V259fs, V205fs.
Identifiers: ClinVar variation 635168 (VCV000635168.4), dbSNP rs1563945076, ClinGen allele CA913189725.